The following is an entry in ClinVar:

ClinVar aggregate classification (germline): Uncertain significance. Review status: criteria provided, multiple submitters, no conflicts (2 of 4 stars). 2 submissions from 2 submitters: Uncertain significance (2). Last evaluated 2025-08-03.

Conditions:
Genitopatellar syndrome (GTPTS). Also called: ABSENT PATELLAE, SCROTAL HYPOPLASIA, RENAL ANOMALIES, FACIAL DYSMORPHISM, AND MENTAL RETARDATION; Genitopatellar syndrome (GPS). Identifiers: Orphanet 85201, MedGen C1853566, MONDO:0011640, OMIM 606170.
Inborn genetic diseases. Identifiers: MedGen C0950123, MeSH D030342.

gnomAD v4.1: 3 of 1,614,050 alleles (0.00019%); highest among the groups gnomAD compares: Non-Finnish European, 0.00025%; no homozygotes.

Submissions (2):

Ambry Genetics
Classification: Uncertain significance for Inborn genetic diseases. Last evaluated: 2025-08-03. Review status: criteria provided, single submitter. Criteria: Ambry Variant Classification Scheme 2023. Collection method: clinical testing. Allele origin: germline.

Labcorp Genetics (formerly Invitae), Labcorp
Classification: Uncertain significance for Genitopatellar syndrome. Last evaluated: 2025-02-13. Review status: criteria provided, single submitter. Criteria: Invitae Variant Classification Sherloc (09022015). Collection method: clinical testing. Allele origin: germline.
Comment: This sequence change replaces valine, which is neutral and non-polar, with methionine, which is neutral and non-polar, at codon 1247 of the KAT6B protein (p.Val1247Met). This variant is present in population databases (no rsID available, gnomAD 0.007%). This variant has not been reported in the literature in individuals affected with KAT6B-related conditions. Invitae Evidence Modeling of protein sequence and biophysical properties (such as structural, functional, and spatial information, amino acid conservation, physicochemical variation, residue mobility, and thermodynamic stability) has been performed for this missense variant. However, the output from this modeling did not meet the statistical confidence thresholds required to predict the impact of this variant on KAT6B protein function. In summary, the available evidence is currently insufficient to determine the role of this variant in disease. Therefore, it has been classified as a Variant of Uncertain Significance.

NM_012330.4(KAT6B):c.3739G>A (p.Val1247Met)

Gene: KAT6B (lysine acetyltransferase 6B; plus strand). Cytogenetic location: 10q22.2.
Variant type: single nucleotide variant.
Coding change: c.3739G>A on transcript NM_012330.4 (MANE Select); coding-DNA position 3739, G replaced by A.
Protein change: p.Val1247Met; replaces valine 1247 with methionine.
Molecular consequence: missense variant.
Genome position (GRCh38, 1-based): chr10:75,028,563, G>A. VCF-style: chr10-75028563-G-A. GRCh37 (hg19) VCF-style: chr10-76788321-G-A.
Other names: c.3190G>A, p.Val1064Met (NM_001256468.2, NM_001370138.1); c.2863G>A, p.Val955Met (NM_001256469.2, NM_001370139.1, NM_001370140.1 and 2 more transcripts); c.2701G>A, p.Val901Met (NM_001370132.1); c.2050G>A, p.Val684Met (NM_001370133.1); c.1654G>A, p.Val552Met (NM_001370134.1); c.1396G>A, p.Val466Met (NM_001370135.1); c.3739G>A, p.Val1247Met (NM_001370136.1, NM_001370137.1); c.2674G>A, p.Val892Met (NM_001370143.1, NM_001370144.1); short protein forms V466M, V892M, V1064M, V684M, V901M, V1247M, V552M, V955M.
Identifiers: ClinVar variation 4089806 (VCV004089806.2).